The following is an entry in ClinVar:

ClinVar aggregate classification (germline): Benign (1 of 4 stars; one submission).

gnomAD v4.1: 1,791 of 1,613,712 alleles (0.11%); highest among the groups gnomAD compares: South Asian, 1.3%; 13 homozygotes.

Submission:

CeGaT Center for Human Genetics Tuebingen
Classification: Benign. Last evaluated: 2026-02-01. Review status: criteria provided, single submitter. Criteria: CeGaT Center For Human Genetics Tuebingen Variant Classification Criteria Version 2. Collection method: clinical testing. Allele origin: germline. Affected: yes. Observed: 1 variant allele.
Comment: DIP2A: BP4, BS1, BS2

NM_015151.4(DIP2A):c.487G>A (p.Val163Ile)

Gene: DIP2A (DIP2 acetate--CoA ligase A; plus strand). Cytogenetic location: 21q22.3.
Variant type: single nucleotide variant.
Coding change: c.487G>A on transcript NM_015151.4 (MANE Select); coding-DNA position 487, G replaced by A.
Protein change: p.Val163Ile; replaces valine 163 with isoleucine.
Molecular consequence: missense variant. On other transcripts: intron variant (1).
Genome position (GRCh38, 1-based): chr21:46,498,665, G>A. VCF-style: chr21-46498665-G-A. GRCh37 (hg19) VCF-style: chr21-47918578-G-A.
Other names: c.403+1558G>A (NM_001353944.2); c.487G>A, p.Val163Ile (NM_001146115.2, NM_001146116.2, NM_001353942.2 and 5 more transcripts); short protein forms V163I.
Identifiers: ClinVar variation 4820988 (VCV004820988.4).